The following is an entry in ClinVar:

NM_005120.3(MED12):c.6526C>T (p.Arg2176Cys)

Gene: MED12 (mediator complex subunit 12; plus strand). Cytogenetic location: Xq13.1.
Variant type: single nucleotide variant.
Coding change: c.6526C>T on transcript NM_005120.3 (MANE Select); coding-DNA position 6526, C replaced by T.
Protein change: p.Arg2176Cys; replaces arginine 2176 with cysteine.
Molecular consequence: missense variant.
Genome position (GRCh38, 1-based): chrX:71,142,210, C>T. VCF-style: chrX-71142210-C-T. GRCh37 (hg19) VCF-style: chrX-70362060-C-T.
Other names: short protein forms R2176C.
Identifiers: ClinVar variation 426569 (VCV000426569.13), dbSNP rs777818556, ClinGen allele CA10444943.
Genomic context (GRCh38, chrX:71,142,210, plus strand): 5'-CCTGATAATCTCTGGTTTTTCACAGATACCCAGCCACAGCCCAGTACCAACATATTTGGA[C>T]GCTACTGAGCCACCTGGAGGAACTGCTTGTGCACTGGATGTGGCCCCACCCTTTCCTCTT-3'
Protein context (NP_005111.2, residues 2166-2177): QPQPSTNIFG[Arg2176Cys]Y

ClinVar aggregate classification (germline): Conflicting classifications of pathogenicity. Review status: criteria provided, conflicting classifications (1 of 4 stars). 3 submissions from 3 submitters: Uncertain significance (2); Likely benign (1). Last evaluated 2026-07-31.

Conditions:
FG syndrome (FGS). Identifiers: MedGen C0220769, MONDO:0002010.
Familial thoracic aortic aneurysm and aortic dissection (TAAD). Also called: Thoracic aortic aneurysms and dissections. Identifiers: Orphanet 91387, MedGen C4707243, MONDO:0019625.

Allele frequency attached by ClinVar (database versions not stated): ExAC 0.00001; gnomAD exomes 0.00001; TOPMed 0.00001; gnomAD 0.00002.
gnomAD v4.1: 8 of 1,208,997 alleles (0.00066%); highest among the groups gnomAD compares: Non-Finnish European, 0.00089%; no homozygotes.

Submissions (3):

Ambry Genetics
Classification: Uncertain significance for Familial thoracic aortic aneurysm and aortic dissection. Last evaluated: 2026-07-31. Review status: criteria provided, single submitter. Criteria: Ambry Variant Classification Scheme 2023. Collection method: clinical testing. Allele origin: germline.
Comment: The p.R2176C variant (also known as c.6526C>T), located in coding exon 45 of the MED12 gene, results from a C to T substitution at nucleotide position 6526. The arginine at codon 2176 is replaced by cysteine, an amino acid with highly dissimilar properties. This amino acid position is conserved. In addition, this alteration is predicted to be tolerated by in silico analysis. Based on data from gnomAD, the T allele has an overall frequency of 0.0006% (1/181478) total alleles studied, with 1 hemizygote(s) observed. The highest observed frequency was 0.0012% (1/81209) of European (non-Finnish) alleles. Based on the available evidence, the clinical significance of this variant remains unclear.

Labcorp Genetics (formerly Invitae), Labcorp
Classification: Likely benign for FG syndrome. Last evaluated: 2026-01-12. Review status: criteria provided, single submitter. Criteria: Invitae Variant Classification Sherloc (09022015). Collection method: clinical testing. Allele origin: germline.

GeneDx
Classification: Uncertain significance. Last evaluated: 2024-02-22. Review status: criteria provided, single submitter. Criteria: GeneDx Variant Classification Process June 2021. Collection method: clinical testing. Allele origin: germline. Affected: yes.
Comment: Has not been previously published as pathogenic or benign to our knowledge; Not observed at significant frequency in large population cohorts (gnomAD); In silico analysis supports that this missense variant does not alter protein structure/function